The following is an entry in ClinVar:

ClinVar aggregate classification (germline): Uncertain significance (1 of 4 stars; one submission).

Submission:

GeneDx
Classification: Uncertain significance. Last evaluated: 2025-07-19. Review status: criteria provided, single submitter. Criteria: GeneDx Variant Classification Process June 2021. Collection method: clinical testing. Allele origin: germline. Affected: yes.
Comment: Not observed at significant frequency in large population cohorts (gnomAD); In silico analysis supports that this missense variant has a deleterious effect on protein structure/function; Has not been previously published as pathogenic or benign to our knowledge

NM_003660.4(PPFIA3):c.301G>A (p.Glu101Lys)

Gene: PPFIA3 (PPFI scaffold protein A3; plus strand). Cytogenetic location: 19q13.33.
Variant type: single nucleotide variant.
Coding change: c.301G>A on transcript NM_003660.4 (MANE Select); coding-DNA position 301, G replaced by A.
Protein change: p.Glu101Lys; replaces glutamic acid 101 with lysine.
Molecular consequence: missense variant. On other transcripts: non-coding transcript variant (1).
Genome position (GRCh38, 1-based): chr19:49,128,427, G>A. VCF-style: chr19-49128427-G-A. GRCh37 (hg19) VCF-style: chr19-49631684-G-A.
Other names: short protein forms E101K.
Identifiers: ClinVar variation 4686107 (VCV004686107.1).